The following is an entry in ClinVar:

NM_007194.4(CHEK2):c.847-17dup

Gene: CHEK2 (checkpoint kinase 2; minus strand). Cytogenetic location: 22q12.1.
Variant type: Duplication.
Coding change: c.847-17dup on transcript NM_007194.4 (MANE Select); 17 bases into the intron before coding-DNA position 847, one base duplicated (T; older notation c.847-17dupT).
Molecular consequence: intron variant.
Genome position (GRCh38, 1-based): chr22:28,703,583, A duplicated on the plus strand (T on the coding strand, the reverse complement: CHEK2 is on the minus strand); the first of 6 consecutive A bases (chr22:28,703,583-28,703,588); duplicating any one gives the same sequence. VCF-style (leftmost placement, unchanged base first): chr22-28703582-G-GA. GRCh37 (hg19) VCF-style: chr22-29099570-G-GA.
Other names: c.184-17dup (NM_001437942.1, NM_001257387.3); c.646-17dup (NM_001349956.3); c.847-17dup (NM_145862.3); c.940-17dup (NM_001438295.1, NM_001438293.1); c.976-17dup (NM_001438294.1, NM_001005735.3).
Identifiers: ClinVar variation 3772821 (VCV003772821.1).

ClinVar aggregate classification (germline): Benign (1 of 4 stars; one submission).

Conditions:
Familial cancer of breast. Also called: Hereditary breast cancer; BREAST CANCER, FAMILIAL; hereditary breast carcinoma. Identifiers: Orphanet 227535, MedGen C0346153, MONDO:0016419, OMIM 114480. Disease mechanism: loss of function.

Submission:

Myriad Genetics, Inc.
Classification: Benign for Familial cancer of breast. Last evaluated: 2024-10-03. Review status: criteria provided, single submitter. Criteria: Myriad Autosomal Dominant, Autosomal Recessive and X-Linked Classification Criteria (2023). Collection method: clinical testing. Allele origin: unknown.
Comment: This variant is considered benign. This variant is intronic and is not expected to impact mRNA splicing.